The following is an entry in ClinVar:

ClinVar aggregate classification (germline): Likely benign (1 of 4 stars; one submission).

Submission:

CeGaT Center for Human Genetics Tuebingen
Classification: Likely benign. Last evaluated: 2023-12-01. Review status: criteria provided, single submitter. Criteria: CeGaT Center For Human Genetics Tuebingen Variant Classification Criteria Version 2. Collection method: clinical testing. Allele origin: germline. Affected: yes. Observed: 1 variant allele.
Comment: SPTBN4: PM2:Supporting, BP4, BP7

NM_020971.3(SPTBN4):c.3423G>A (p.Gln1141=)

Gene: SPTBN4 (spectrin beta, non-erythrocytic 4; plus strand). Cytogenetic location: 19q13.2.
Variant type: single nucleotide variant.
Coding change: c.3423G>A on transcript NM_020971.3 (MANE Select); coding-DNA position 3423, G replaced by A.
Protein change: p.Gln1141=; no amino-acid change (glutamine 1141 retained).
Molecular consequence: synonymous variant.
Genome position (GRCh38, 1-based): chr19:40,519,920, G>A. VCF-style: chr19-40519920-G-A. GRCh37 (hg19) VCF-style: chr19-41025827-G-A.
Identifiers: ClinVar variation 3026598 (VCV003026598.20), dbSNP rs2515056553, ClinGen allele CA507683051.